The following is an entry in ClinVar:

NM_000264.5(PTCH1):c.748G>A (p.Gly250Ser)

Gene: PTCH1 (patched 1; minus strand). Cytogenetic location: 9q22.32.
Variant type: single nucleotide variant.
Coding change: c.748G>A on transcript NM_000264.5 (MANE Select); coding-DNA position 748, G replaced by A.
Protein change: p.Gly250Ser; replaces glycine 250 with serine.
Molecular consequence: missense variant. On other transcripts: non-coding transcript variant (1).
Genome position (GRCh38, 1-based): chr9:95,480,587, C>T on the plus strand (G>A on the coding strand, the complement: PTCH1 is on the minus strand). VCF-style: chr9-95480587-C-T. GRCh37 (hg19) VCF-style: chr9-98242869-C-T.
Other names: c.550G>A, p.Gly184Ser (NM_001083602.3); c.745G>A, p.Gly249Ser (NM_001083603.3); c.295G>A, p.Gly99Ser (NM_001083604.3, NM_001083605.3, NM_001083606.3 and 1 more transcripts); c.748G>A, p.Gly250Ser (NM_001354918.2); short protein forms G250S, G184S, G99S, G249S.
Identifiers: ClinVar variation 2997459 (VCV002997459.3), dbSNP rs2118428977, ClinGen allele CA374114664.

ClinVar aggregate classification (germline): Uncertain significance (1 of 4 stars; one submission).

Conditions:
Gorlin syndrome. Also called: Nevoid Basal Cell Carcinoma Syndrome; Basal cell nevus syndrome. Identifiers: Orphanet 377, MedGen C0004779, MONDO:0007187.

Submission:

Labcorp Genetics (formerly Invitae), Labcorp
Classification: Uncertain significance for Gorlin syndrome. Last evaluated: 2025-05-27. Review status: criteria provided, single submitter. Criteria: Invitae Variant Classification Sherloc (09022015). Collection method: clinical testing. Allele origin: germline.
Comment: This sequence change replaces glycine, which is neutral and non-polar, with serine, which is neutral and polar, at codon 250 of the PTCH1 protein (p.Gly250Ser). This variant is not present in population databases (gnomAD no frequency). This variant has not been reported in the literature in individuals affected with PTCH1-related conditions. ClinVar contains an entry for this variant (Variation ID: 2997459). Invitae Evidence Modeling of protein sequence and biophysical properties (such as structural, functional, and spatial information, amino acid conservation, physicochemical variation, residue mobility, and thermodynamic stability) has been performed for this missense variant. However, the output from this modeling did not meet the statistical confidence thresholds required to predict the impact of this variant on PTCH1 protein function. In summary, the available evidence is currently insufficient to determine the role of this variant in disease. Therefore, it has been classified as a Variant of Uncertain Significance.